The following is an entry in ClinVar:

ClinVar aggregate classification (germline): Uncertain significance (1 of 4 stars; one submission).

Allele frequency attached by ClinVar (database versions not stated): gnomAD exomes below 0.00001.
gnomAD v4.1: 2 of 1,613,492 alleles (0.00012%); highest among the groups gnomAD compares: Non-Finnish European, 0.00017%; no homozygotes.

Submission:

Labcorp Genetics (formerly Invitae), Labcorp
Classification: Uncertain significance. Last evaluated: 2020-08-06. Review status: criteria provided, single submitter. Criteria: Invitae Variant Classification Sherloc (09022015). Collection method: clinical testing. Allele origin: germline.
Comment: This sequence change replaces leucine with valine at codon 143 of the CA2 protein (p.Leu143Val). The leucine residue is moderately conserved and there is a small physicochemical difference between leucine and valine. This variant is not present in population databases (ExAC no frequency). This variant has not been reported in the literature in individuals with CA2-related conditions. Algorithms developed to predict the effect of missense changes on protein structure and function output the following: SIFT: "Tolerated"; PolyPhen-2: "Benign"; Align-GVGD: "Class C0". The valine amino acid residue is found in multiple mammalian species, suggesting that this missense change does not adversely affect protein function. These predictions have not been confirmed by published functional studies and their clinical significance is uncertain. Algorithms developed to predict the effect of sequence changes on RNA splicing suggest that this variant may create or strengthen a splice site, but this prediction has not been confirmed by published transcriptional studies. In summary, the available evidence is currently insufficient to determine the role of this variant in disease. Therefore, it has been classified as a Variant of Uncertain Significance.

NM_000067.3(CA2):c.427C>G (p.Leu143Val)

Gene: CA2 (carbonic anhydrase 2; plus strand). Cytogenetic location: 8q21.2.
Variant type: single nucleotide variant.
Coding change: c.427C>G on transcript NM_000067.3 (MANE Select); coding-DNA position 427, C replaced by G.
Protein change: p.Leu143Val; replaces leucine 143 with valine.
Molecular consequence: missense variant.
Genome position (GRCh38, 1-based): chr8:85,474,399, C>G. VCF-style: chr8-85474399-C-G. GRCh37 (hg19) VCF-style: chr8-86386628-C-G.
Other names: c.124C>G, p.Leu42Val (NM_001293675.2); short protein forms L143V, L42V.
Identifiers: ClinVar variation 1038992 (VCV001038992.8), dbSNP rs1234226992, ClinGen allele CA371428970.